The following is an entry in ClinVar:

NM_004990.4(MARS1):c.505C>T (p.Leu169=)

Gene: MARS1 (methionyl-tRNA synthetase 1; plus strand). Cytogenetic location: 12q13.3.
Variant type: single nucleotide variant.
Coding change: c.505C>T on transcript NM_004990.4 (MANE Select); coding-DNA position 505, C replaced by T.
Protein change: p.Leu169=; no amino-acid change (leucine 169 retained).
Molecular consequence: synonymous variant.
Genome position (GRCh38, 1-based): chr12:57,490,221, C>T. VCF-style: chr12-57490221-C-T. GRCh37 (hg19) VCF-style: chr12-57884004-C-T.
Identifiers: ClinVar variation 509072 (VCV000509072.3), dbSNP rs1555165592, ClinGen allele CA480395614.

ClinVar aggregate classification (germline): Likely benign. Review status: criteria provided, multiple submitters, no conflicts (2 of 4 stars). 2 submissions from 2 submitters: Likely benign (2). Last evaluated 2019-07-11.

Submissions (2):

Ambry Genetics
Classification: Likely benign. Last evaluated: 2019-07-11. Review status: criteria provided, single submitter. Criteria: Ambry Variant Classification Scheme 2023. Collection method: clinical testing. Allele origin: germline.

GeneDx
Classification: Likely benign. Last evaluated: 2017-05-01. Review status: criteria provided, single submitter. Criteria: GeneDx Variant Classification (06012015). Collection method: clinical testing. Allele origin: germline. Affected: yes.
Comment: This variant is considered likely benign or benign based on one or more of the following criteria: it is a conservative change, it occurs at a poorly conserved position in the protein, it is predicted to be benign by multiple in silico algorithms, and/or has population frequency not consistent with disease.